The following is an entry in ClinVar:

NM_012120.3(CD2AP):c.1334T>C (p.Leu445Pro)

Gene: CD2AP (CD2 associated protein; plus strand). Cytogenetic location: 6p12.3.
Variant type: single nucleotide variant.
Coding change: c.1334T>C on transcript NM_012120.3 (MANE Select); coding-DNA position 1334, T replaced by C.
Protein change: p.Leu445Pro; replaces leucine 445 with proline.
Molecular consequence: missense variant.
Genome position (GRCh38, 1-based): chr6:47,599,360, T>C. VCF-style: chr6-47599360-T-C. GRCh37 (hg19) VCF-style: chr6-47567096-T-C.
Other names: short protein forms L445P.
Identifiers: ClinVar variation 1522429 (VCV001522429.6), dbSNP rs748941769, ClinGen allele CA3844306.

ClinVar aggregate classification (germline): Uncertain significance (1 of 4 stars; one submission).

Allele frequency attached by ClinVar (database versions not stated): gnomAD exomes below 0.00001 and 0.00002; ExAC 0.00001; gnomAD 0.00001; TOPMed 0.00001.
gnomAD v4.1: 36 of 1,611,554 alleles (0.0022%); highest among the groups gnomAD compares: Non-Finnish European, 0.003%; no homozygotes.

Submission:

Labcorp Genetics (formerly Invitae), Labcorp
Classification: Uncertain significance. Last evaluated: 2021-09-09. Review status: criteria provided, single submitter. Criteria: Invitae Variant Classification Sherloc (09022015). Collection method: clinical testing. Allele origin: germline.
Comment: This sequence change replaces leucine with proline at codon 445 of the CD2AP protein (p.Leu445Pro). The leucine residue is weakly conserved and there is a moderate physicochemical difference between leucine and proline. This variant is present in population databases (rs748941769, ExAC 0.002%). This variant has not been reported in the literature in individuals affected with CD2AP-related conditions. Algorithms developed to predict the effect of missense changes on protein structure and function output the following: SIFT: "Tolerated"; PolyPhen-2: "Benign"; Align-GVGD: "Class C0". The proline amino acid residue is found in multiple mammalian species, which suggests that this missense change does not adversely affect protein function. In summary, the available evidence is currently insufficient to determine the role of this variant in disease. Therefore, it has been classified as a Variant of Uncertain Significance.